The following is an entry in ClinVar:

NM_001377.3(DYNC2H1):c.6401del (p.Pro2134fs)

Gene: DYNC2H1 (dynein cytoplasmic 2 heavy chain 1; plus strand). Cytogenetic location: 11q22.3.
Variant type: Deletion.
Coding change: c.6401del on transcript NM_001377.3 (MANE Select); coding-DNA position 6401, one base deleted (C; older notation c.6401delC).
Protein change: p.Pro2134fs; shifts the reading frame from proline 2134.
Molecular consequence: frameshift variant.
Genome position (GRCh38, 1-based): chr11:103,181,810, C deleted; the last of 2 consecutive C bases (chr11:103,181,809-103,181,810); deleting either gives the same sequence. VCF-style (leftmost placement, unchanged base first): chr11-103181808-GC-G. GRCh37 (hg19) VCF-style: chr11-103052537-GC-G.
Other names: c.6401del, p.Pro2134fs (NM_001080463.2); short protein forms P2134fs.
Identifiers: ClinVar variation 5015619 (VCV005015619.1).

ClinVar aggregate classification (germline): Pathogenic (1 of 4 stars; one submission).

Conditions:
Asphyxiating thoracic dystrophy 3. Also called: SHORT-RIB THORACIC DYSPLASIA 3 WITH OR WITHOUT POLYDACTYLY; POLYDACTYLY WITH NEONATAL CHONDRODYSTROPHY, TYPE I; SHORT-RIB THORACIC DYSPLASIA 3/6 WITH POLYDACTYLY, DIGENIC; Short rib polydactyly syndrome 2B; Saldino-Noonan Syndrome. Identifiers: Orphanet 474, Orphanet 93269, Orphanet 93270, Orphanet 93271, MedGen C0036069, MONDO:0013127, OMIM 613091.

Submission:

Myriad Genetics, Inc.
Classification: Pathogenic for Asphyxiating thoracic dystrophy 3. Last evaluated: 2026-02-27. Review status: criteria provided, single submitter. Criteria: Myriad Autosomal Dominant, Autosomal Recessive and X-Linked Classification Criteria (2023). Collection method: clinical testing. Allele origin: unknown.
Comment: NM_001377.2(DYNC2H1):c.6401delC(P2134Lfs*24) is expected to be pathogenic in the context of DYNC2H1-related disorders. This variant is predicted to lead to an abnormal or absent protein product due to the creation of a premature termination codon in DYNC2H1, a gene where loss-of-function variants are known to be pathogenic. Please note: this variant was assessed in the context of healthy population screening.